The following is an entry in ClinVar:

NM_000492.4(CFTR):c.3717+3492A>G

Genes: CFTR (CF transmembrane conductance regulator; plus strand), CFTR-AS2 (CFTR antisense RNA 2; minus strand), LOC126860160 (MED14-independent group 3 enhancer GRCh37_chr7:117270281-117271480; plus strand). Cytogenetic location: 7q31.2.
Variant type: single nucleotide variant.
Coding change: c.3717+3492A>G on transcript NM_000492.4 (MANE Select); 3492 bases into the intron after coding-DNA position 3717, A replaced by G.
Molecular consequence: intron variant.
Genome position (GRCh38, 1-based): chr7:117,631,262, A>G. VCF-style: chr7-117631262-A-G. GRCh37 (hg19) VCF-style: chr7-117271316-A-G.
Identifiers: ClinVar variation 4280043 (VCV004280043.1).

ClinVar aggregate classification (germline): Uncertain significance (1 of 4 stars; one submission).

Conditions:
Cystic fibrosis (CF). Also called: MUCOVISCIDOSIS. Identifiers: Orphanet 586, MedGen C0010674, MONDO:0009061, OMIM 219700. Disease mechanism: loss of function.

gnomAD v4.1: 3 of 152,168 alleles (0.002%); highest among the groups gnomAD compares: Non-Finnish European, 0.0029%; no homozygotes.

Submission:

Johns Hopkins Genomics, Johns Hopkins University
Classification: Uncertain significance for Cystic fibrosis. Last evaluated: 2024-07-12. Review status: criteria provided, single submitter. Criteria: ACMG Guidelines, 2015. Collection method: clinical testing. Allele origin: germline.
Comment: PM2, PP3